The following is an entry in ClinVar:

NM_000077.5(CDKN2A):c.-17G>T

Genes: CDKN2A (cyclin dependent kinase inhibitor 2A; minus strand), LOC130001603 (ATAC-STARR-seq lymphoblastoid silent region 19811; plus strand). Cytogenetic location: 9p21.3.
Variant type: single nucleotide variant.
Coding change: c.-17G>T on transcript NM_000077.5; 17 bases upstream of the start codon, G replaced by T.
Molecular consequence: 5 prime UTR variant (on NM_001195132.2). On other transcripts: intron variant (2).
Genome position (GRCh38, 1-based): chr9:21,974,844, C>A on the plus strand (G>T on the coding strand, the complement: CDKN2A is on the minus strand). VCF-style: chr9-21974844-C-A. GRCh37 (hg19) VCF-style: chr9-21974843-C-A.
Other names: c.-17G>T (NM_000077.6, NM_001195132.2, NM_058197.5); c.-3-3636G>T (NM_001363763.2); c.194-3636G>T (NM_058195.4).
Identifiers: ClinVar variation 628116 (VCV000628116.5), dbSNP rs751542011, ClinGen allele CA862174229.
Genomic context (GRCh38, chr9:21,974,844, plus strand): 5'-CAGTCAGCCGAAGGCTCCATGCTGCTCCCCGCCGCCGGCTCCATGCTGCTCCCCGCCGCC[C>A]GCTGCCTGCTCTCCCCCTCTCCGCAGCCGCCGAGCGCACGCGGTCCGCCCCACCCTCTGG-3'

ClinVar aggregate classification (germline): Uncertain significance. Review status: criteria provided, multiple submitters, no conflicts (2 of 4 stars). 3 submissions from 3 submitters: Uncertain significance (3). Last evaluated 2023-12-19.

Conditions:
Hereditary cancer-predisposing syndrome. Also called: Tumor predisposition; Neoplastic Syndromes, Hereditary; Hereditary Cancer Syndrome; Hereditary neoplastic syndrome. Identifiers: Orphanet 140162, MedGen C0027672, MeSH D009386, MONDO:0015356.

Allele frequency attached by ClinVar (database versions not stated): TOPMed 0.00001.
gnomAD v4.1: 10 of 1,561,490 alleles (0.00064%); highest among the groups gnomAD compares: South Asian, 0.0012%; no homozygotes.

Submissions (3):

GeneDx
Classification: Uncertain significance. Last evaluated: 2023-12-19. Review status: criteria provided, single submitter. Criteria: GeneDx Variant Classification Process June 2021. Collection method: clinical testing. Allele origin: germline. Affected: yes.
Comment: Not observed at significant frequency in large population cohorts (gnomAD); Nucleotide is not conserved across species and the substitution has no predicted effect on splicing; Has not been previously published as pathogenic or benign to our knowledge

Blueprint Genetics
Classification: Uncertain significance. Last evaluated: 2023-03-21. Review status: criteria provided, single submitter. Criteria: ACMG Guidelines, 2015. Collection method: clinical testing. Allele origin: germline.

Color Diagnostics, LLC DBA Color Health
Classification: Uncertain significance for Hereditary cancer-predisposing syndrome. Last evaluated: 2018-12-17. Review status: criteria provided, single submitter. Criteria: ACMG Guidelines, 2015. Collection method: clinical testing. Allele origin: germline.